The following is an entry in ClinVar:

NM_130837.3(OPA1):c.469C>T (p.Pro157Ser)

Gene: OPA1 (OPA1 mitochondrial dynamin like GTPase; plus strand). Cytogenetic location: 3q29.
Variant type: single nucleotide variant.
Coding change: c.469C>T on transcript NM_130837.3 (MANE Select); coding-DNA position 469, C replaced by T.
Protein change: p.Pro157Ser; replaces proline 157 with serine.
Molecular consequence: missense variant. On other transcripts: intron variant (5).
Genome position (GRCh38, 1-based): chr3:193,617,198, C>T. VCF-style: chr3-193617198-C-T. GRCh37 (hg19) VCF-style: chr3-193334987-C-T.
Other names: c.97C>T, p.Pro33Ser (NM_001354664.2); c.469C>T, p.Pro157Ser (NM_015560.3, NM_130834.3, NM_130836.3); c.76+1428C>T (NM_001354663.2); c.449-586C>T (NM_130835.3, NM_130832.3); c.448+1428C>T (NM_130833.3, NM_130831.3); short protein forms P157S, P33S.
Identifiers: ClinVar variation 2630267 (VCV002630267.1), dbSNP rs2474598574, ClinGen allele CA355787583.
Genomic context (GRCh38, chr3:193,617,198, plus strand): 5'-TTTCTTAGTTTCATACTCTATATGTTTTGATCTTTTCCAGAGAAAATTAGAAAAGCCCTT[C>T]CTAGTTCAGAAGACCTTGTAAAGTTAGCACCAGACTTTGACAAGATTGTTGAAAGCCTTA-3'
Protein context (NP_570850.2, residues 147-167): IDFEKIRKAL[Pro157Ser]SSEDLVKLAP

ClinVar aggregate classification (germline): Uncertain significance (1 of 4 stars; one submission).

Conditions:
OPA1-related disorder. Also called: OPA1-related condition; OPA1-related disorders.

Submission:

PreventionGenetics, part of Exact Sciences
Classification: Uncertain significance for OPA1-related condition. Last evaluated: 2023-02-22. Review status: criteria provided, single submitter. Criteria: ACMG Guidelines, 2015. Collection method: clinical testing. Allele origin: germline.
Comment: The OPA1 c.469C>T variant is predicted to result in the amino acid substitution p.Pro157Ser. To our knowledge, this variant has not been reported in the literature or in a large population database, indicating this variant is rare. At this time, the clinical significance of this variant is uncertain due to the absence of conclusive functional and genetic evidence.